The following is an entry in ClinVar:

NM_000313.4(PROS1):c.1055T>G (p.Ile352Ser)

Gene: PROS1 (protein S; minus strand). Cytogenetic location: 3q11.1.
Variant type: single nucleotide variant.
Coding change: c.1055T>G on transcript NM_000313.4 (MANE Select); coding-DNA position 1055, T replaced by G.
Protein change: p.Ile352Ser; replaces isoleucine 352 with serine.
Molecular consequence: missense variant.
Genome position (GRCh38, 1-based): chr3:93,893,033, A>C on the plus strand (T>G on the coding strand, the complement: PROS1 is on the minus strand). VCF-style: chr3-93893033-A-C. GRCh37 (hg19) VCF-style: chr3-93611877-A-C.
Other names: c.1151T>G, p.Ile384Ser (NM_001314077.2); short protein forms I352S, I384S.
Identifiers: ClinVar variation 1676738 (VCV001676738.1), dbSNP rs1708455723, ClinGen allele CA353672294.

ClinVar aggregate classification (germline): Uncertain significance (1 of 4 stars; one submission).

Conditions:
Thrombophilia due to protein S deficiency, autosomal dominant (THPH5). Identifiers: Orphanet 26349, Orphanet 743, MedGen C3278211, MONDO:0012868, OMIM 612336. Disease mechanism: loss of function.

Submission:

ISTH-SSC Genomics in Thrombosis and Hemostasis, KU Leuven, Center for Molecular and Vascular Biology
Classification: Uncertain significance for Thrombophilia due to protein S deficiency, autosomal dominant. Review status: criteria provided, single submitter. Criteria: ACMG Guidelines, 2015. Collection method: clinical testing. Allele origin: unknown. Affected: yes.
Comment: Submitted to GoldVariant by Kathleen Freson, Center for Molecular and Vascular Biology, Leuven, Belgium

Literature cited by the submitters: PubMed 34355501.